The following is an entry in ClinVar:

NM_000264.5(PTCH1):c.2166_2180del (p.Leu723_Cys727del)

Genes: PTCH1 (patched 1; minus strand), LOC100507346 (uncharacterized LOC100507346; plus strand). Cytogenetic location: 9q22.32.
Variant type: Deletion.
Coding change: c.2166_2180del on transcript NM_000264.5 (MANE Select); coding-DNA positions 2166 to 2180, 15 bases deleted (CCTCGAGCCCCCCTG).
Protein change: p.Leu723_Cys727del.
Molecular consequence: inframe deletion. On other transcripts: non-coding transcript variant (2).
Genome position (GRCh38, 1-based): chr9:95,468,821-95,468,835, CAGGGGGGCTCGAGG deleted on the plus strand (CCTCGAGCCCCCCTG on the coding strand, the reverse complement: PTCH1 is on the minus strand); deleting any 15 consecutive bases within chr9:95,468,821-95,468,838 gives the same sequence; the c. name uses the placement nearest the transcript's 3' end. VCF-style (leftmost placement, unchanged base first): chr9-95468820-ACAGGGGGGCTCGAGG-A. GRCh37 (hg19) VCF-style: chr9-98231102-ACAGGGGGGCTCGAGG-A.
Other names: c.1968_1982del, p.Leu657_Cys661del (NM_001083602.3); c.2163_2177del, p.Leu722_Cys726del (NM_001083603.3); c.1713_1727del, p.Leu572_Cys576del (NM_001083604.3, NM_001083605.3, NM_001083606.3 and 1 more transcripts); c.2010_2024del, p.Leu671_Cys675del (NM_001354918.2).
Identifiers: ClinVar variation 4721839 (VCV004721839.1).

ClinVar aggregate classification (germline): Uncertain significance (1 of 4 stars; one submission).

Conditions:
Gorlin syndrome. Also called: Basal cell nevus syndrome; Nevoid Basal Cell Carcinoma Syndrome. Identifiers: Orphanet 377, MedGen C0004779, MONDO:0007187.

Submission:

Labcorp Genetics (formerly Invitae), Labcorp
Classification: Uncertain significance for Gorlin syndrome. Last evaluated: 2025-06-22. Review status: criteria provided, single submitter. Criteria: Invitae Variant Classification Sherloc (09022015). Collection method: clinical testing. Allele origin: germline.
Comment: This variant, c.2166_2180del, results in the deletion of 5 amino acid(s) of the PTCH1 protein (p.Leu723_Cys727del), but otherwise preserves the integrity of the reading frame. This variant is not present in population databases (gnomAD no frequency). This variant has not been reported in the literature in individuals affected with PTCH1-related conditions. Experimental studies and prediction algorithms are not available or were not evaluated, and the functional significance of this variant is currently unknown. In summary, the available evidence is currently insufficient to determine the role of this variant in disease. Therefore, it has been classified as a Variant of Uncertain Significance.